The following is an entry in ClinVar:

NM_152564.5(VPS13B):c.8026A>C (p.Thr2676Pro)

Gene: VPS13B (vacuolar protein sorting 13 homolog B; plus strand). Cytogenetic location: 8q22.2.
Variant type: single nucleotide variant.
Coding change: c.8026A>C on transcript NM_152564.5 (MANE Select); coding-DNA position 8026, A replaced by C.
Protein change: p.Thr2676Pro; replaces threonine 2676 with proline.
Molecular consequence: missense variant.
Genome position (GRCh38, 1-based): chr8:99,809,459, A>C. VCF-style: chr8-99809459-A-C. GRCh37 (hg19) VCF-style: chr8-100821687-A-C.
Other names: c.8101A>C, p.Thr2701Pro (NM_017890.5); short protein forms T2676P, T2701P.
Identifiers: ClinVar variation 4994135 (VCV004994135.1).

ClinVar aggregate classification (germline): Uncertain significance (1 of 4 stars; one submission).

Conditions:
VPS13B-related disorder. Also called: VPS13B-related condition.

gnomAD v4.1: 1 of 1,614,022 alleles (0.000062%); highest among the groups gnomAD compares: East Asian, 0.0022%; no homozygotes.

Submission:

PreventionGenetics, part of Exact Sciences
Classification: Uncertain significance for VPS13B-related condition. Last evaluated: 2025-10-01. Review status: criteria provided, single submitter. Criteria: ACMG Guidelines, 2015. Collection method: clinical testing. Allele origin: germline.
Comment: The VPS13B c.8026A>C variant is predicted to result in the amino acid substitution p.Thr2676Pro. To our knowledge, this variant has not been reported in the literature or in a large population database (gnomAD), indicating this variant is rare. At this time, the clinical significance of this variant is uncertain due to the absence of conclusive functional and genetic evidence.